The following is an entry in ClinVar:

ClinVar aggregate classification (germline): Conflicting classifications of pathogenicity. Review status: criteria provided, conflicting classifications (1 of 4 stars). 5 submissions from 5 submitters: Uncertain significance (4); Likely benign (1). Last evaluated 2025-06-16.

Conditions:
Basal cell carcinoma, susceptibility to, 1. Also called: BCC1. Identifiers: MedGen C2751544, MONDO:0011556, OMIM 605462.
Basal cell nevus syndrome 1 (BCNS1). Also called: GORLIN-GOLTZ SYNDROME; MULTIPLE BASAL CELL NEVI, ODONTOGENIC KERATOCYSTS, AND SKELETAL ANOMALIES. Identifiers: MedGen CN376810, MONDO:0958174, OMIM 109400.
Holoprosencephaly 7 (HPE7). Identifiers: Orphanet 2162, MedGen C1835820, MONDO:0012562, OMIM 610828.
Gorlin syndrome. Also called: Nevoid Basal Cell Carcinoma Syndrome; Basal cell nevus syndrome. Identifiers: Orphanet 377, MedGen C0004779, MONDO:0007187.
Hereditary cancer-predisposing syndrome. Also called: Hereditary neoplastic syndrome; Neoplastic Syndromes, Hereditary; Tumor predisposition; Hereditary Cancer Syndrome. Identifiers: Orphanet 140162, MedGen C0027672, MeSH D009386, MONDO:0015356.

Allele frequency attached by ClinVar (database versions not stated): gnomAD 0.00001; gnomAD exomes 0.00001; TOPMed 0.00001.
gnomAD v4.1: 11 of 1,614,052 alleles (0.00068%); highest among the groups gnomAD compares: East Asian, 0.0022%; no homozygotes.

Submissions (5):

Labcorp Genetics (formerly Invitae), Labcorp
Classification: Uncertain significance for Gorlin syndrome. Last evaluated: 2025-06-16. Review status: criteria provided, single submitter. Criteria: Invitae Variant Classification Sherloc (09022015). Collection method: clinical testing. Allele origin: germline.
Comment: This sequence change replaces glycine, which is neutral and non-polar, with glutamic acid, which is acidic and polar, at codon 1248 of the PTCH1 protein (p.Gly1248Glu). This variant is not present in population databases (gnomAD no frequency). This variant has not been reported in the literature in individuals affected with PTCH1-related conditions. ClinVar contains an entry for this variant (Variation ID: 409161). Invitae Evidence Modeling of protein sequence and biophysical properties (such as structural, functional, and spatial information, amino acid conservation, physicochemical variation, residue mobility, and thermodynamic stability) indicates that this missense variant is not expected to disrupt PTCH1 protein function with a negative predictive value of 95%. In summary, the available evidence is currently insufficient to determine the role of this variant in disease. Therefore, it has been classified as a Variant of Uncertain Significance.

Ambry Genetics
Classification: Likely benign for Hereditary cancer-predisposing syndrome. Last evaluated: 2024-07-29. Review status: criteria provided, single submitter. Criteria: Ambry Variant Classification Scheme 2023. Collection method: clinical testing. Allele origin: germline.

Baylor Genetics
Classification: Uncertain significance for Basal cell carcinoma, susceptibility to, 1. Last evaluated: 2023-10-30. Review status: criteria provided, single submitter. Criteria: ACMG Guidelines, 2015. Collection method: clinical testing. Allele origin: unknown.

Department of Pathology and Laboratory Medicine, Sinai Health System
Classification: Uncertain significance for Basal cell nevus syndrome 1; Basal cell carcinoma, susceptibility to, 1; Holoprosencephaly 7. Last evaluated: 2021-08-20. Review status: criteria provided, single submitter. Criteria: ACMG Guidelines, 2015. Collection method: research. Allele origin: germline.

GeneDx
Classification: Uncertain significance. Last evaluated: 2020-02-17. Review status: criteria provided, single submitter. Criteria: GeneDx Variant Classification Process June 2021. Collection method: clinical testing. Allele origin: germline. Affected: yes.
Comment: Not observed in large population cohorts (Lek 2016); In silico analysis supports that this missense variant does not alter protein structure/function; Has not been previously published as pathogenic or benign to our knowledge

NM_000264.5(PTCH1):c.3743G>A (p.Gly1248Glu)

Gene: PTCH1 (patched 1; minus strand). Cytogenetic location: 9q22.32.
Variant type: single nucleotide variant.
Coding change: c.3743G>A on transcript NM_000264.5 (MANE Select); coding-DNA position 3743, G replaced by A.
Protein change: p.Gly1248Glu; replaces glycine 1248 with glutamic acid.
Molecular consequence: missense variant. On other transcripts: non-coding transcript variant (1).
Genome position (GRCh38, 1-based): chr9:95,449,130, C>T on the plus strand (G>A on the coding strand, the complement: PTCH1 is on the minus strand). VCF-style: chr9-95449130-C-T. GRCh37 (hg19) VCF-style: chr9-98211412-C-T.
Other names: c.3545G>A, p.Gly1182Glu (NM_001083602.3); c.3740G>A, p.Gly1247Glu (NM_001083603.3); c.3290G>A, p.Gly1097Glu (NM_001083604.3, NM_001083605.3, NM_001083606.3 and 1 more transcripts); c.3587G>A, p.Gly1196Glu (NM_001354918.2); short protein forms G1182E, G1248E, G1196E, G1097E, G1247E.
Identifiers: ClinVar variation 409161 (VCV000409161.17), dbSNP rs375857496, ClinGen allele CA16612752.
Genomic context (GRCh38, chr9:95,449,130, plus strand): 5'-GTGGAGTGGGCGAAGACGGGGTTTTCTGTGGCTTCCACGATCACTTGGTGGGCAGGGCCT[C>T]CCGCGCCCTGCTGGGCCTCGTAGTGCCGAAGCTCCTCGCTGAGGCCTGACACTGTCGTCT-3'
Protein context (NP_000255.2, residues 1238-1258): LRHYEAQQGA[Gly1248Glu]GPAHQVIVEA